The following is an entry in ClinVar:

ClinVar aggregate classification (germline): Conflicting classifications of pathogenicity. Review status: criteria provided, conflicting classifications (1 of 4 stars). 4 submissions from 4 submitters: Uncertain significance (1); Benign (1); Likely benign (2). Last evaluated 2026-05-06.

Conditions:
Colorectal cancer, hereditary nonpolyposis, type 7. Identifiers: Orphanet 144, MedGen C1858380, MONDO:0013725, OMIM 614385.

Allele frequency attached by ClinVar (database versions not stated): gnomAD 0.00004; gnomAD exomes 0.00004 and 0.00006; TOPMed 0.00004; ExAC 0.00010; ESP Exome Variant Server 0.00015.
gnomAD v4.1: 63 of 1,604,658 alleles (0.0039%); highest among the groups gnomAD compares: African/African-American, 0.0094%; no homozygotes.

Submissions (4):

Myriad Genetics, Inc.
Classification: Benign for Colorectal cancer, hereditary nonpolyposis, type 7. Last evaluated: 2026-05-06. Review status: criteria provided, single submitter. Criteria: Myriad Autosomal Dominant, Autosomal Recessive and X-Linked Classification Criteria (2023). Collection method: clinical testing. Allele origin: unknown.
Comment: This variant is considered benign. This variant is a silent/synonymous amino acid change and it is not expected to impact splicing.

Center for Genomic Medicine, Rigshospitalet, Copenhagen University Hospital
Classification: Uncertain significance. Last evaluated: 2025-03-04. Review status: criteria provided, single submitter. Criteria: ACMG Guidelines, 2015. Collection method: clinical testing. Allele origin: germline.

Labcorp Genetics (formerly Invitae), Labcorp
Classification: Likely benign for Colorectal cancer, hereditary nonpolyposis, type 7. Last evaluated: 2024-04-10. Review status: criteria provided, single submitter. Criteria: Invitae Variant Classification Sherloc (09022015). Collection method: clinical testing. Allele origin: germline.

Ambry Genetics
Classification: Likely benign. Last evaluated: 2020-12-09. Review status: criteria provided, single submitter. Criteria: Ambry Variant Classification Scheme 2023. Collection method: clinical testing. Allele origin: germline.

NM_001040108.2(MLH3):c.3723C>T (p.Tyr1241=)

Gene: MLH3 (mutL homolog 3; minus strand). Cytogenetic location: 14q24.3.
Variant type: single nucleotide variant.
Coding change: c.3723C>T on transcript NM_001040108.2 (MANE Select); coding-DNA position 3723, C replaced by T.
Protein change: p.Tyr1241=; no amino-acid change (tyrosine 1241 retained).
Molecular consequence: synonymous variant.
Genome position (GRCh38, 1-based): chr14:75,032,172, G>A on the plus strand (C>T on the coding strand, the complement: MLH3 is on the minus strand). VCF-style: chr14-75032172-G-A. GRCh37 (hg19) VCF-style: chr14-75498875-G-A.
Other names: c.3651C>T, p.Tyr1217= (NM_014381.3).
Identifiers: ClinVar variation 697147 (VCV000697147.15), dbSNP rs145627040, ClinGen allele CA7275340.
Genomic context (GRCh38, chr14:75,032,172, plus strand): 5'-AGGAATTAGAGTAGAAGACAGTAATTTTTTCCGACCAGAGCCTTGTGCCTGTTGCTTCTC[G>A]TAGGAATCTATTGGCAGAAAGATGAATGGGTTAAGAGTAGGAAGGGAAGTCTTCTAGATT-3'
Protein context (NP_001035197.1, residues 1231-1251): IRLEQLIIDS[Tyr1241=]EKQQAQGSGR